The following is an entry in ClinVar:

NM_000069.3(CACNA1S):c.1828-16_1828-4del

Gene: CACNA1S (calcium voltage-gated channel subunit alpha1 S; minus strand). Cytogenetic location: 1q32.1.
Variant type: Deletion.
Coding change: c.1828-16_1828-4del on transcript NM_000069.3 (MANE Select); 16 bases into the intron before coding-DNA position 1828 through 4 bases into the intron before coding-DNA position 1828, 13 bases deleted (TCCTCCCTCCATA).
Molecular consequence: intron variant.
Genome position (GRCh38, 1-based): chr1:201,075,619-201,075,631, TATGGAGGGAGGA deleted on the plus strand (TCCTCCCTCCATA on the coding strand, the reverse complement: CACNA1S is on the minus strand); deleting any 13 consecutive bases within chr1:201,075,619-201,075,633 gives the same sequence; the c. name uses the placement nearest the transcript's 3' end. VCF-style (leftmost placement, unchanged base first): chr1-201075618-GTATGGAGGGAGGA-G. GRCh37 (hg19) VCF-style: chr1-201044746-GTATGGAGGGAGGA-G.
Identifiers: ClinVar variation 1002334 (VCV001002334.9), dbSNP rs1661585121, ClinGen allele CA1219574645.
Genomic context (GRCh38, chr1:201,075,618, plus strand): 5'-CGCCGTAGGCCATGATCCCATTGTACATCATTGAGGTCCAGTCTTCCCCTGTCAGTACCT[GTATGGAGGGAGGA>G]TAGAGGGCTCGGGAACACAGAGGGGCCTGAGAGTCTTCTATTGGGACCGCATTGACCGAA-3'

ClinVar aggregate classification (germline): Uncertain significance (1 of 4 stars; one submission).

Conditions:
Hypokalemic periodic paralysis, type 1. Also called: HypoPP; Hypokalemic Periodic Paralysis Type 1 (AD). Identifiers: Orphanet 681, MedGen C3714580, MONDO:0042979, OMIM 170400.
Malignant hyperthermia, susceptibility to, 5 (MHS5). Also called: CACNA1S-Related Malignant Hyperthermia Susceptibility. Identifiers: Orphanet 423, MedGen C1866077, MONDO:0011163, OMIM 601887.

Submission:

Labcorp Genetics (formerly Invitae), Labcorp
Classification: Uncertain significance for Hypokalemic periodic paralysis, type 1; Malignant hyperthermia, susceptibility to, 5. Last evaluated: 2022-03-25. Review status: criteria provided, single submitter. Criteria: Invitae Variant Classification Sherloc (09022015). Collection method: clinical testing. Allele origin: germline.
Comment: In summary, the available evidence is currently insufficient to determine the role of this variant in disease. Therefore, it has been classified as a Variant of Uncertain Significance. Algorithms developed to predict the effect of sequence changes on RNA splicing suggest that this variant may disrupt the consensus splice site. ClinVar contains an entry for this variant (Variation ID: 1002334). This variant has not been reported in the literature in individuals affected with CACNA1S-related conditions. This variant is not present in population databases (gnomAD no frequency). This sequence change falls in intron 12 of the CACNA1S gene. It does not directly change the encoded amino acid sequence of the CACNA1S protein.